The following is an entry in ClinVar:

NM_000465.4(BARD1):c.1788A>G (p.Lys596=)

Gene: BARD1 (BRCA1 associated RING domain 1; minus strand). Cytogenetic location: 2q35.
Variant type: single nucleotide variant.
Coding change: c.1788A>G on transcript NM_000465.4 (MANE Select); coding-DNA position 1788, A replaced by G.
Protein change: p.Lys596=; no amino-acid change (lysine 596 retained).
Molecular consequence: synonymous variant. On other transcripts: non-coding transcript variant (3), intron variant (1).
Genome position (GRCh38, 1-based): chr2:214,745,744, T>C on the plus strand (A>G on the coding strand, the complement: BARD1 is on the minus strand). VCF-style: chr2-214745744-T-C. GRCh37 (hg19) VCF-style: chr2-215610468-T-C.
Other names: c.1731A>G, p.Lys577= (NM_001282543.2); c.435A>G, p.Lys145= (NM_001282545.2); c.378A>G, p.Lys126= (NM_001282548.2); c.365-15236A>G (NM_001282549.2).
Identifiers: ClinVar variation 215747 (VCV000215747.25), dbSNP rs777084777, ClinGen allele CA335748.
Genomic context (GRCh38, chr2:214,745,744, plus strand): 5'-TTTTTTCTACCCCACCTCCCAAAATTCAAAATCCTCACCTGTACTGTCAAACTCAGTATA[T>C]TTTTTAGCCTTAAGAATTACTGCAAGCTCACTGAGCATTTTCTGTTGTTCTGAAGACAGC-3'
Protein context (NP_000456.2, residues 586-606): SELAVILKAK[Lys596=]YTEFDSTVTH

ClinVar aggregate classification (germline): Benign/Likely benign. Review status: criteria provided, multiple submitters, no conflicts (2 of 4 stars). 10 submissions from 10 submitters: Benign (3); Likely benign (6). 1 of the submissions does not count toward it. Last evaluated 2026-02-02.

Conditions:
BARD1-related cancer predisposition. Identifiers: MedGen CN377756, MONDO:0700267.
Hereditary cancer-predisposing syndrome. Also called: Hereditary neoplastic syndrome; Neoplastic Syndromes, Hereditary; Tumor predisposition; Hereditary Cancer Syndrome. Identifiers: Orphanet 140162, MedGen C0027672, MeSH D009386, MONDO:0015356.
BARD1-related disorder. Also called: BARD1-related condition.
Familial cancer of breast. Also called: BREAST CANCER, FAMILIAL; Hereditary breast cancer; hereditary breast carcinoma. Identifiers: Orphanet 227535, MedGen C0346153, MONDO:0016419, OMIM 114480. Disease mechanism: loss of function.

Allele frequency attached by ClinVar (database versions not stated): gnomAD exomes 0.00002 and 0.00010; gnomAD 0.00004; TOPMed 0.00006; ExAC 0.00007.
gnomAD v4.1: 39 of 1,613,842 alleles (0.0024%); highest among the groups gnomAD compares: Admixed American, 0.057%; no homozygotes.

Submissions (10):

Labcorp Genetics (formerly Invitae), Labcorp
Classification: Likely benign for Familial cancer of breast. Last evaluated: 2026-02-02. Review status: criteria provided, single submitter. Criteria: Invitae Variant Classification Sherloc (09022015). Collection method: clinical testing. Allele origin: germline.

Myriad Genetics, Inc.
Classification: Benign for Familial cancer of breast. Last evaluated: 2024-07-26. Review status: criteria provided, single submitter. Criteria: Myriad Autosomal Dominant, Autosomal Recessive and X-Linked Classification Criteria (2023). Collection method: clinical testing. Allele origin: unknown.
Comment: This variant is considered benign. This variant is a silent/synonymous amino acid change and it is not expected to impact splicing.

Department of Pathology and Laboratory Medicine, Sinai Health System
Classification: Likely benign for BARD1-related cancer predisposition. Last evaluated: 2023-11-24. Review status: criteria provided, single submitter. Criteria: ACMG Guidelines, 2015. Collection method: clinical testing. Allele origin: germline. Affected: no.

Sema4
Classification: Likely benign for Hereditary cancer-predisposing syndrome. Last evaluated: 2021-11-18. Review status: criteria provided, single submitter. Criteria: Sema4 Curation Guidelines. Collection method: curation. Allele origin: germline.

Quest Diagnostics Nichols Institute San Juan Capistrano
Classification: Benign. Last evaluated: 2020-10-09. Review status: criteria provided, single submitter. Criteria: Quest Diagnostics criteria. Collection method: clinical testing. Allele origin: unknown.

Women's Health and Genetics/Laboratory Corporation of America, LabCorp
Classification: Benign. Last evaluated: 2019-03-21. Review status: criteria provided, single submitter. Criteria: LabCorp Variant Classification Summary - May 2015. Collection method: clinical testing. Allele origin: germline.
Comment: Variant summary: BARD1 c.1788A>G alters a non-conserved nucleotide resulting in a synonymous change. 4/5 computational tools predict no significant impact on normal splicing. However, these predictions have yet to be confirmed by functional studies. The variant allele was found at a frequency of 9.4e-05 in 276966 control chromosomes, predominantly at a frequency of 0.00076 within the Latino subpopulation in the gnomAD database. The observed variant frequency within Latino control individuals in the gnomAD database is approximately 3 fold of the estimated maximal expected allele frequency for a pathogenic variant in BARD1 causing Hereditary Breast and Ovarian Cancer phenotype (0.00025), strongly suggesting that the variant is a benign polymorphism found primarily in populations of Latino origin. To our knowledge, no occurrence of c.1788A>G in individuals affected with Hereditary Breast and Ovarian Cancer and no experimental evidence demonstrating its impact on protein function have been reported. A co-occurrence with a likely pathogenic variant has been reported in our internal database (BRCA2 c.4218_4221delAGAA , p.Lys1406fsX3), providing supporting evidence for a benign role. Three ClinVar submissions from clinical diagnostic laboratories cite the variant as likely benign. Based on the evidence outlined above, the variant was classified as benign.

GeneDx
Classification: Likely benign. Last evaluated: 2018-12-17. Review status: criteria provided, single submitter. Criteria: GeneDx Variant Classification Process June 2021. Collection method: clinical testing. Allele origin: germline. Affected: yes.

Color Diagnostics, LLC DBA Color Health
Classification: Likely benign for Hereditary cancer-predisposing syndrome. Last evaluated: 2015-12-14. Review status: criteria provided, single submitter. Criteria: ACMG Guidelines, 2015. Collection method: clinical testing. Allele origin: germline.

Ambry Genetics
Classification: Likely benign for Hereditary cancer-predisposing syndrome. Last evaluated: 2015-05-28. Review status: criteria provided, single submitter. Criteria: Ambry Variant Classification Scheme 2023. Collection method: clinical testing. Allele origin: germline.

PreventionGenetics, part of Exact Sciences
Classification: Likely benign for BARD1-related condition. Last evaluated: 2019-03-28. Review status: no assertion criteria provided. Collection method: clinical testing. Allele origin: germline. Not counted in ClinVar's aggregate classification.
Comment: This variant is classified as likely benign based on ACMG/AMP sequence variant interpretation guidelines (Richards et al. 2015 PMID: 25741868, with internal and published modifications).